The following is an entry in ClinVar:

NM_007118.4(TRIO):c.1714C>T (p.Gln572Ter)

Gene: TRIO (trio Rho guanine nucleotide exchange factor; plus strand). Cytogenetic location: 5p15.2.
Variant type: single nucleotide variant.
Coding change: c.1714C>T on transcript NM_007118.4 (MANE Select); coding-DNA position 1714, C replaced by T.
Protein change: p.Gln572Ter; replaces glutamine 572 with a stop codon.
Molecular consequence: nonsense. On other transcripts: non-coding transcript variant (1).
Genome position (GRCh38, 1-based): chr5:14,316,726, C>T. VCF-style: chr5-14316726-C-T. GRCh37 (hg19) VCF-style: chr5-14316835-C-T.
Other names: short protein forms Q572*.
Identifiers: ClinVar variation 4538184 (VCV004538184.1).
Genomic context (GRCh38, chr5:14,316,726, plus strand): 5'-GAGAACATCTGGCAACACCGCAAGGTCCGGCTGCATCAGAGGCTGCAGCTGTGTGTTTTC[C>T]AGCAGGACGTTCAGCAGGTCAGTTTCGCCTCATGCCCTTCTGCATGGGAAATGGCTTGTG-3'

ClinVar aggregate classification (germline): Pathogenic (1 of 4 stars; one submission).

Conditions:
Intellectual developmental disorder, autosomal dominant 44, with microcephaly. Also called: Micrognathia-recurrent infections-behavioral abnormalities-mild intellectual disability syndrome; TRIO-Related Intellectual Disability. Identifiers: Orphanet 476126, MedGen C4310740, MONDO:0014892, OMIM 617061.

Submission:

Clinical Genetics Laboratory, Skane University Hospital Lund
Classification: Pathogenic for Intellectual developmental disorder, autosomal dominant 44, with microcephaly. Last evaluated: 2025-12-17. Review status: criteria provided, single submitter. Criteria: ACMG Guidelines, 2015. Collection method: clinical testing. Allele origin: germline. Inheritance: Autosomal dominant inheritance. Affected: yes.
Comment: ACMG criteria: PVS1, PS2_moderat and PM2.